The following is an entry in ClinVar:

NM_024753.5(TTC21B):c.429+152A>C

Genes: TTC21B (tetratricopeptide repeat domain 21B; minus strand), TTC21B-AS1 (TTC21B antisense RNA 1; plus strand). Cytogenetic location: 2q24.3.
Variant type: single nucleotide variant.
Coding change: c.429+152A>C on transcript NM_024753.5 (MANE Select); 152 bases into the intron after coding-DNA position 429, A replaced by C.
Molecular consequence: intron variant.
Genome position (GRCh38, 1-based): chr2:165,945,372, T>G on the plus strand (A>C on the coding strand, the complement: TTC21B is on the minus strand). VCF-style: chr2-165945372-T-G. GRCh37 (hg19) VCF-style: chr2-166801882-T-G.
Identifiers: ClinVar variation 670255 (VCV000670255.1), dbSNP rs12329293, ClinGen allele CA15158693.
Genomic context (GRCh38, chr2:165,945,372, plus strand): 5'-CTCAGTAGCATAAAACTAACCTTAGAGAATTCCTATTCTACAATACACTATTAACCATAT[T>G]GATAACCATAAATGGGTTAAAATAAAGCTGTTATTTACAAACTGGCAATAGAGTGAACAA-3'

ClinVar aggregate classification (germline): Benign (1 of 4 stars; one submission).

Allele frequency attached by ClinVar (database versions not stated): 1000 Genomes Project 30x 0.23251; 1000 Genomes Project 0.23602; TOPMed 0.27810; gnomAD 0.29162 and 0.29253.
gnomAD v4.1: 243,321 of 716,000 alleles (34%); highest among the groups gnomAD compares: Non-Finnish European, 39%; 44,078 homozygotes.

Submission:

GeneDx
Classification: Benign. Last evaluated: 2018-06-16. Review status: criteria provided, single submitter. Criteria: GeneDx Variant Classification (06012015). Collection method: clinical testing. Allele origin: germline. Affected: yes.
Comment: This variant is considered likely benign or benign based on one or more of the following criteria: it is a conservative change, it occurs at a poorly conserved position in the protein, it is predicted to be benign by multiple in silico algorithms, and/or has population frequency not consistent with disease.